The following is an entry in ClinVar:

ClinVar aggregate classification (germline): Uncertain significance (1 of 4 stars; one submission).

Conditions:
Congenital myopathy with internal nuclei and atypical cores. Also called: Myopathy, centronuclear, 4. Identifiers: Orphanet 319160, MedGen C4707232, MONDO:0013890, OMIM 614807.

Allele frequency attached by ClinVar (database versions not stated): ExAC 0.00001; gnomAD exomes 0.00001 and 0.00002.

Submission:

Labcorp Genetics (formerly Invitae), Labcorp
Classification: Uncertain significance for Congenital myopathy with internal nuclei and atypical cores. Last evaluated: 2026-01-25. Review status: criteria provided, single submitter. Criteria: Invitae Variant Classification Sherloc (09022015). Collection method: clinical testing. Allele origin: germline.
Comment: This sequence change replaces arginine, which is basic and polar, with tryptophan, which is neutral and slightly polar, at codon 179 of the CCDC78 protein (p.Arg179Trp). This variant is present in population databases (rs758399024, gnomAD 0.006%). This variant has not been reported in the literature in individuals affected with CCDC78-related conditions. ClinVar contains an entry for this variant (Variation ID: 540474). Invitae Evidence Modeling of protein sequence and biophysical properties (such as structural, functional, and spatial information, amino acid conservation, physicochemical variation, residue mobility, and thermodynamic stability) indicates that this missense variant is not expected to disrupt CCDC78 protein function with a negative predictive value of 80%. In summary, the available evidence is currently insufficient to determine the role of this variant in disease. Therefore, it has been classified as a Variant of Uncertain Significance.

NM_001378030.1(CCDC78):c.535C>T (p.Arg179Trp)

Gene: CCDC78 (coiled-coil domain containing 78; minus strand). Cytogenetic location: 16p13.3.
Variant type: single nucleotide variant.
Coding change: c.535C>T on transcript NM_001378030.1 (MANE Select); coding-DNA position 535, C replaced by T.
Protein change: p.Arg179Trp; replaces arginine 179 with tryptophan.
Molecular consequence: missense variant. On other transcripts: non-coding transcript variant (5).
Genome position (GRCh38, 1-based): chr16:725,103, G>A on the plus strand (C>T on the coding strand, the complement: CCDC78 is on the minus strand). VCF-style: chr16-725103-G-A. GRCh37 (hg19) VCF-style: chr16-775103-G-A.
Other names: c.535C>T, p.Arg179Trp (NM_001031737.3, NM_001378031.1); c.173C>T, p.Pro58Leu (NM_001378033.1); short protein forms R179W, P58L.
Identifiers: ClinVar variation 540474 (VCV000540474.9), dbSNP rs758399024, ClinGen allele CA7789544.